The following is an entry in ClinVar:

ClinVar aggregate classification (germline): Pathogenic (1 of 4 stars; one submission).

Allele frequency attached by ClinVar (database versions not stated): gnomAD 0.00001; TOPMed below 0.00001.
gnomAD v4.1: 1 of 1,613,954 alleles (0.000062%); highest among the groups gnomAD compares: Non-Finnish European, 0.000085%; no homozygotes.

Submission:

Labcorp Genetics (formerly Invitae), Labcorp
Classification: Pathogenic. Last evaluated: 2023-11-05. Review status: criteria provided, single submitter. Criteria: Invitae Variant Classification Sherloc (09022015). Collection method: clinical testing. Allele origin: germline.
Comment: This sequence change creates a premature translational stop signal (p.Gln551*) in the CEP152 gene. It is expected to result in an absent or disrupted protein product. Loss-of-function variants in CEP152 are known to be pathogenic (PMID: 21131973). This variant is not present in population databases (gnomAD no frequency). This variant has not been reported in the literature in individuals affected with CEP152-related conditions. For these reasons, this variant has been classified as Pathogenic.

Literature cited by the submitters: PubMed 21131973.

NM_001194998.2(CEP152):c.1651C>T (p.Gln551Ter)

Gene: CEP152 (centrosomal protein 152; minus strand). Cytogenetic location: 15q21.1.
Variant type: single nucleotide variant.
Coding change: c.1651C>T on transcript NM_001194998.2 (MANE Select); coding-DNA position 1651, C replaced by T.
Protein change: p.Gln551Ter; replaces glutamine 551 with a stop codon.
Molecular consequence: nonsense.
Genome position (GRCh38, 1-based): chr15:48,772,618, G>A on the plus strand (C>T on the coding strand, the complement: CEP152 is on the minus strand). VCF-style: chr15-48772618-G-A. GRCh37 (hg19) VCF-style: chr15-49064815-G-A.
Other names: c.1651C>T, p.Gln551Ter (NM_014985.4); short protein forms Q551*.
Identifiers: ClinVar variation 3000069 (VCV003000069.3), dbSNP rs1471912721, ClinGen allele CA392351742.
Genomic context (GRCh38, chr15:48,772,618, plus strand): 5'-GGTCATTTTGTAACTGAGACACCAGATGACGCTTCATTGAGTTGCTACCCAGCAAACGCT[G>A]TACTTCTGCCTTTAACTTCAGAATGAACTCATCTTTTGAAAGCTCTTCATTTGGGTCTTC-3'